The following is an entry in ClinVar:

NM_000053.4(ATP7B):c.2575+1G>C

Gene: ATP7B (ATPase copper transporting beta; minus strand). Cytogenetic location: 13q14.3.
Variant type: single nucleotide variant.
Coding change: c.2575+1G>C on transcript NM_000053.4 (MANE Select); the canonical splice donor site of the intron after coding-DNA position 2575, G replaced by C.
Molecular consequence: splice donor variant. On other transcripts: intron variant (1).
Genome position (GRCh38, 1-based): chr13:51,950,271, C>G on the plus strand (G>C on the coding strand, the complement: ATP7B is on the minus strand). VCF-style: chr13-51950271-C-G. GRCh37 (hg19) VCF-style: chr13-52524407-C-G.
Other names: c.2089+1G>C (NM_001406541.1, NM_001005918.3, NM_001406546.1 and 1 more transcripts); c.2323+1G>C (NM_001406531.1, NM_001406532.1, NM_001406540.1 and 1 more transcripts); c.2341+1G>C (NM_001406527.1, NM_001406528.1, NM_001406534.1 and 2 more transcripts); c.2431+1G>C (NM_001406537.1, NM_001406521.1, NM_001406522.1 and 1 more transcripts); c.2575+1G>C (NM_001406513.1, NM_001406511.1, NM_001406516.1 and 7 more transcripts); c.2227+1G>C (NM_001406543.1); c.2242+1G>C (NM_001243182.2); c.1286-110G>C (NM_001406548.1); and 8 more.
Identifiers: ClinVar variation 188749 (VCV000188749.18), dbSNP rs766149114, ClinGen allele CA273907.

ClinVar aggregate classification (germline): Pathogenic/Likely pathogenic. Review status: criteria provided, multiple submitters, no conflicts (2 of 4 stars). 9 submissions from 9 submitters: Pathogenic (6); Likely pathogenic (2). 1 of the submissions does not count toward it. Last evaluated 2025-09-17.

Conditions:
Wilson disease (WND). Also called: Wilson's disease. Identifiers: Orphanet 905, MedGen C0019202, MONDO:0010200, OMIM 277900. Disease mechanism: loss of function.

Allele frequency attached by ClinVar (database versions not stated): ExAC 0.00001; gnomAD 0.00001; gnomAD exomes 0.00001; TOPMed 0.00002.
gnomAD v4.1: 23 of 1,614,054 alleles (0.0014%); highest among the groups gnomAD compares: Non-Finnish European, 0.0017%; no homozygotes.

Submissions (9):

Natera, Inc.
Classification: Pathogenic for Wilson disease. Last evaluated: 2025-09-17. Review status: criteria provided, single submitter. Criteria: Natera Variant Classification Schema (03/2026). Collection method: clinical testing. Allele origin: germline.
Comment: The c.2575+1G>C variant in ATP7B is a canonical splice donor site variant predicted to affect pre-mRNA splicing, which may result in an abnormal transcript and altered protein product. This variant is expected to result in nonsense mediated decay, truncation, or a dysfunctional protein product. This variant is rare in the general population with a frequency below the threshold expected for the associated phenotype(s). This variant has been observed in one or more individuals affected with the associated recessive disease, as either homozygous or compound heterozygous with a second variant (PMID: 23518715). Given the available evidence, this variant is classified as Pathogenic.

ARUP Laboratories, Molecular Genetics and Genomics, ARUP Laboratories
Classification: Pathogenic for Wilson disease. Last evaluated: 2025-05-13. Review status: criteria provided, single submitter. Criteria: ARUP Molecular Germline Variant Investigation Process 2024. Collection method: clinical testing. Allele origin: germline.
Comment: The ATP7B c.2575+1G>C variant (rs766149114, ClinVar Variation ID: 188749), also published as 2576+1G>C, is reported in the literature in several individuals affected with Wilson disease, including two with a second pathogenic ATP7B variant (Coffey 2013, Thomas 1995). The c.2575+1G>C variant is only observed on two alleles in the Genome Aggregation Database (v2.1.1), indicating it is not a common polymorphism. This variant disrupts the canonical splice donor site of intron 10, which is likely to negatively impact gene function. Based on available information, this variant is considered to be pathogenic. References: Coffey AJ et al. A genetic study of Wilson's disease in the United Kingdom. Brain. 2013 May;136(Pt 5):1476-87. PMID: 23518715. Thomas GR et al. The Wilson disease gene: spectrum of mutations and their consequences. Nat Genet. 1995 Feb;9(2):210-7. PMID: 7626145.

Labcorp Genetics (formerly Invitae), Labcorp
Classification: Pathogenic for Wilson disease. Last evaluated: 2024-08-05. Review status: criteria provided, single submitter. Criteria: Invitae Variant Classification Sherloc (09022015). Collection method: clinical testing. Allele origin: germline.
Comment: This sequence change affects a donor splice site in intron 10 of the ATP7B gene. It is expected to disrupt RNA splicing. Variants that disrupt the donor or acceptor splice site typically lead to a loss of protein function (PMID: 16199547), and loss-of-function variants in ATP7B are known to be pathogenic (PMID: 10441329, 16283883). This variant is present in population databases (rs766149114, gnomAD 0.002%). Disruption of this splice site has been observed in individual(s) with Wilson disease (PMID: 7626145, 11690702, 23518715; Invitae). In at least one individual the data is consistent with being in trans (on the opposite chromosome) from a pathogenic variant. This variant is also known as c.2576+1G>C. ClinVar contains an entry for this variant (Variation ID: 188749). Algorithms developed to predict the effect of sequence changes on RNA splicing suggest that this variant may disrupt the consensus splice site. For these reasons, this variant has been classified as Pathogenic.

All of Us Research Program, National Institutes of Health
Classification: Pathogenic for Wilson disease. Last evaluated: 2024-04-16. Review status: criteria provided, single submitter. Criteria: ACMG Guidelines, 2015. Collection method: clinical testing. Allele origin: germline. Inheritance: Autosomal recessive inheritance. Observed: 1 variant allele, 1 heterozygote.
Comment: This variant causes a G to C nucleotide substitution at the +1 position of intron 10 of the ATP7B gene. Splice site prediction tools predict that this variant may have a significant impact on RNA splicing. Although this prediction has not been confirmed in published RNA studies, this variant is expected to result in an absent or disrupted protein product. This variant has been reported in the compound heterozygous state in individuals affected with Wilson disease (PMID: 7626145, 11690702, 23518715). This variant has been identified in 2/249552 chromosomes in the general population by the Genome Aggregation Database (gnomAD). Loss of ATP7B function is a known mechanism of disease. Based on the available evidence, this variant is classified as Pathogenic.

This study involves interpretation of variants in research participants for the purpose of population health screening. Participant phenotype was not available at the time of variant classification. Additional details can be found in publication PMID: 35346344, PMCID: PMC8962531

Baylor Genetics
Classification: Pathogenic for Wilson disease. Last evaluated: 2023-08-25. Review status: criteria provided, single submitter. Criteria: ACMG Guidelines, 2015. Collection method: clinical testing. Allele origin: unknown.

Women's Health and Genetics/Laboratory Corporation of America, LabCorp
Classification: Likely pathogenic for Wilson disease. Last evaluated: 2021-02-28. Review status: criteria provided, single submitter. Criteria: LabCorp Variant Classification Summary - May 2015. Collection method: clinical testing. Allele origin: germline.
Comment: Variant summary: ATP7B c.2575+1G>C is located in a canonical splice-site and is predicted to affect mRNA splicing resulting in a significantly altered protein due to either exon skipping, shortening, or inclusion of intronic material. Several computational tools predict a significant impact on normal splicing: Four predict the variant abolishes the canonical 5' splicing donor site. However, these predictions have yet to be confirmed by functional studies. The variant allele was found at a frequency of 8e-06 in 249552 control chromosomes. c.2575+1G>C has been reported in the literature in individuals affected with Wilson Disease and subsequently cited by others (example, Thomas_1995, Coffey_2013, Singh_2019). These data indicate that the variant may be associated with disease. To our knowledge, no experimental evidence demonstrating an impact on protein function has been reported. No other clinical diagnostic laboratories have submitted clinical-significance assessments for this variant to ClinVar after 2014. Based on the evidence outlined above, the variant was classified as likely pathogenic.

Laboratory for Molecular Medicine, Mass General Brigham Personalized Medicine
Classification: Likely pathogenic for Wilson disease. Last evaluated: 2020-06-11. Review status: criteria provided, single submitter. Criteria: ACMG Guidelines, 2015. Collection method: clinical testing. Allele origin: germline.
Comment: The c.2575+1G>C variant in ATP7B has been reported in at least three individuals with Wilson disease, with two individuals compound heterozygous for the p.Gln111X truncating variant (Coffey 2013, Thomas 1995). This variant has also ben identified in 0.001% (2/113276) of European chromosomes by gnomAD, which is low enough to be consistent with a recessive allele frequency. This variant occurs within the canonical splice site (+/- 1,2), and is predicted to cause altered splicing leading to an abnormal or absent protein. Loss of function of the ATP7B gene is an established disease mechanism in autosomal recessive Wilson disease. In summary, although additional studies are required to fully establish its clinical significance, this variant meets criteria to be classified as likely pathogenic for autosomal recessive Wilson disease. ACMG/AMP criteria applied: PVS1_Strong, PM2, PM3, PP4.

GeneDx
Classification: Pathogenic. Last evaluated: 2020-06-04. Review status: criteria provided, single submitter. Criteria: GeneDx Variant Classification Process June 2021. Collection method: clinical testing. Allele origin: germline. Affected: yes.
Comment: Not observed at a significant frequency in large population cohorts (Lek et al., 2016); Canonical splice site variant in a gene for which loss-of-function is a known mechanism of disease; This variant is associated with the following publications: (PMID: 25525159, 7626145, 23518715)

Counsyl
Classification: Likely pathogenic for Wilson's disease. Last evaluated: 2014-04-09. Review status: no assertion criteria provided. Collection method: literature only. Allele origin: unknown. Inheritance: Autosomal recessive inheritance. Not counted in ClinVar's aggregate classification.

Literature cited by the submitters: PubMed 23518715 (cited by 6 submitters); PubMed 16199547 (cited by Labcorp Genetics (formerly Invitae), Labcorp); PubMed 10441329 (cited by Labcorp Genetics (formerly Invitae), Labcorp); PubMed 16283883 (cited by Labcorp Genetics (formerly Invitae), Labcorp); PubMed 7626145 (cited by 5 submitters); PubMed 11690702 (cited by 3 submitters); PubMed 25525159 (cited by Women's Health and Genetics/Laboratory Corporation of America, LabCorp); PubMed 31059521 (cited by Women's Health and Genetics/Laboratory Corporation of America, LabCorp).